The following is an entry in ClinVar:

ClinVar aggregate classification (germline): Uncertain significance. Review status: criteria provided, single submitter (1 of 4 stars). 2 submissions from 1 submitter: Uncertain significance (2). Last evaluated 2023-11-27.

Conditions:
Cortical dysplasia-focal epilepsy syndrome (PTHSL1). Also called: Pitt-Hopkins-like syndrome 1. Identifiers: Orphanet 163681, Orphanet 221150, MedGen C2750246, MONDO:0012400, OMIM 610042.
Weaver syndrome (WVS). Also called: Weaver Smith syndrome; Overgrowth syndrome with accelerated skeletal maturation, unusual facies, and camptodactyly. Identifiers: Orphanet 3447, MedGen C0265210, MONDO:0010193, OMIM 277590.

Submissions (2):

Labcorp Genetics (formerly Invitae), Labcorp
Classification: Uncertain significance for Cortical dysplasia-focal epilepsy syndrome. Last evaluated: 2023-11-27. Review status: criteria provided, single submitter. Criteria: Invitae Variant Classification Sherloc (09022015). Collection method: clinical testing. Allele origin: unknown.
Comment: This variant results in a copy number gain of the genomic region encompassing exon(s) 14-24 of the CNTNAP2 gene. This region includes the termination codon of the gene. This copy number gain extends beyond the assayed region for this gene and therefore may encompass additional genes. As the precise location of this event is unknown, it may be in tandem or it may be located elsewhere in the genome. This variant has not been reported in the literature in individuals affected with CNTNAP2-related conditions. In summary, the available evidence is currently insufficient to determine the role of this variant in disease. Therefore, it has been classified as a Variant of Uncertain Significance.

Labcorp Genetics (formerly Invitae), Labcorp
Classification: Uncertain significance for Weaver syndrome. Last evaluated: 2022-07-17. Review status: criteria provided, single submitter. Criteria: Invitae Variant Classification Sherloc (09022015). Collection method: clinical testing. Allele origin: germline.
Comment: A copy number gain of the genomic region encompassing the full coding sequence of the EZH2 gene has been identified. The boundaries of this event are unknown as they extend beyond the assayed region for this gene and therefore may encompass additional genes. As the precise location of this event is unknown, it may be in tandem or it may be located elsewhere in the genome. This variant has not been reported in the literature in individuals affected with EZH2-related conditions. In summary, the available evidence is currently insufficient to determine the role of this variant in disease. Therefore, it has been classified as a Variant of Uncertain Significance.

NC_000007.13:g.(?_147600637)_(148544390_?)dup

Genes: EZH2 (enhancer of zeste 2 polycomb repressive complex 2 subunit; minus strand), CUL1 (cullin 1; plus strand), C7orf33 (chromosome 7 open reading frame 33; plus strand), CNTNAP2 (contactin associated protein 2; plus strand). Cytogenetic location: 7q35-36.1.
Variant type: Duplication.
Identifiers: ClinVar variation 2425122 (VCV002425122.2).